The following is an entry in ClinVar:

NM_152490.5(B3GALNT2):c.461C>T (p.Pro154Leu)

Gene: B3GALNT2 (beta-1,3-N-acetylgalactosaminyltransferase 2; minus strand). Cytogenetic location: 1q42.3.
Variant type: single nucleotide variant.
Coding change: c.461C>T on transcript NM_152490.5 (MANE Select); coding-DNA position 461, C replaced by T.
Protein change: p.Pro154Leu; replaces proline 154 with leucine.
Molecular consequence: missense variant.
Genome position (GRCh38, 1-based): chr1:235,484,416, G>A on the plus strand (C>T on the coding strand, the complement: B3GALNT2 is on the minus strand). VCF-style: chr1-235484416-G-A. GRCh37 (hg19) VCF-style: chr1-235647732-G-A.
Other names: c.584C>T, p.Pro195Leu (NM_001277155.3); short protein forms P154L, P195L.
Identifiers: ClinVar variation 2112184 (VCV002112184.3), dbSNP rs1684702121, ClinGen allele CA344925227.

ClinVar aggregate classification (germline): Uncertain significance (1 of 4 stars; one submission).

Conditions:
Muscular dystrophy-dystroglycanopathy (congenital with brain and eye anomalies), type a, 11 (MDDGA11). Also called: WALKER-WARBURG SYNDROME OR MUSCLE-EYE-BRAIN DISEASE, B3GALNT2-RELATED; Muscular dystrophy-dystroglycanopathy (congenital with brain and eye anomalies, type A, 11; Congenital muscular dystrophy-dystroglycanopathy with brain and eye anomalies, type A11. Identifiers: Orphanet 588, Orphanet 899, MedGen C3554638, MONDO:0014071, OMIM 615181.

Allele frequency attached by ClinVar (database versions not stated): gnomAD exomes below 0.00001.
gnomAD v4.1: 1 of 1,614,180 alleles (0.000062%); highest among the groups gnomAD compares: Non-Finnish European, 0.000085%; no homozygotes.

Submission:

Labcorp Genetics (formerly Invitae), Labcorp
Classification: Uncertain significance for Muscular dystrophy-dystroglycanopathy (congenital with brain and eye anomalies), type a, 11. Last evaluated: 2022-03-18. Review status: criteria provided, single submitter. Criteria: Invitae Variant Classification Sherloc (09022015). Collection method: clinical testing. Allele origin: germline.
Comment: In summary, the available evidence is currently insufficient to determine the role of this variant in disease. Therefore, it has been classified as a Variant of Uncertain Significance. This sequence change replaces proline, which is neutral and non-polar, with leucine, which is neutral and non-polar, at codon 154 of the B3GALNT2 protein (p.Pro154Leu). This variant is not present in population databases (gnomAD no frequency). This variant has not been reported in the literature in individuals affected with B3GALNT2-related conditions. Algorithms developed to predict the effect of missense changes on protein structure and function are either unavailable or do not agree on the potential impact of this missense change (SIFT: "Tolerated"; PolyPhen-2: "Possibly Damaging"; Align-GVGD: "Class C0").